The following is an entry in ClinVar:

ClinVar aggregate classification (germline): Uncertain significance (1 of 4 stars; one submission).

Conditions:
Cardiovascular phenotype. Identifiers: MedGen CN230736.

gnomAD v4.1: 3 of 1,550,032 alleles (0.00019%); highest among the groups gnomAD compares: Admixed American, 0.0059%; no homozygotes.

Submission:

Ambry Genetics
Classification: Uncertain significance for Cardiovascular phenotype. Last evaluated: 2025-05-24. Review status: criteria provided, single submitter. Criteria: Ambry Variant Classification Scheme 2023. Collection method: clinical testing. Allele origin: germline.
Comment: The p.E686D variant (also known as c.2058G>C), located in coding exon 1 of the ZNF469 gene, results from a G to C substitution at nucleotide position 2058. The glutamic acid at codon 686 is replaced by aspartic acid, an amino acid with highly similar properties. This amino acid position is conserved. In addition, this alteration is predicted to be tolerated by in silico analysis. Based on the available evidence, the clinical significance of this variant remains unclear.

NM_001367624.2(ZNF469):c.2058G>C (p.Glu686Asp)

Gene: ZNF469 (zinc finger protein 469; plus strand). Cytogenetic location: 16q24.2.
Variant type: single nucleotide variant.
Coding change: c.2058G>C on transcript NM_001367624.2 (MANE Select); coding-DNA position 2058, G replaced by C.
Protein change: p.Glu686Asp; replaces glutamic acid 686 with aspartic acid.
Molecular consequence: missense variant.
Genome position (GRCh38, 1-based): chr16:88,429,528, G>C. VCF-style: chr16-88429528-G-C. GRCh37 (hg19) VCF-style: chr16-88495936-G-C.
Other names: NM_001127464.1:c.2058G>C; short protein forms E686D.
Identifiers: ClinVar variation 3987358 (VCV003987358.1).
Genomic context (GRCh38, chr16:88,429,528, plus strand): 5'-CAAGGCCTTCCCTTTTCCCGCAGATGGGCTGGGAGCCGAGGGTGCCTTCCAGTGCCTGGA[G>C]GAGACCCCATTCCCCCACGAGGGCCCCGAGGTGGGTCGGGGAGGGCTGCAGGGCTTCCCC-3'
Protein context (NP_001354553.1, residues 676-696): LGAEGAFQCL[Glu686Asp]ETPFPHEGPE